The following is an entry in ClinVar:

NM_005732.4(RAD50):c.2288G>A (p.Arg763His)

Gene: RAD50 (RAD50 double strand break repair protein; plus strand). Cytogenetic location: 5q31.1.
Variant type: single nucleotide variant.
Coding change: c.2288G>A on transcript NM_005732.4 (MANE Select); coding-DNA position 2288, G replaced by A.
Protein change: p.Arg763His; replaces arginine 763 with histidine.
Molecular consequence: missense variant.
Genome position (GRCh38, 1-based): chr5:132,603,380, G>A. VCF-style: chr5-132603380-G-A. GRCh37 (hg19) VCF-style: chr5-131939072-G-A.
Other names: p.R763H:CGC>CAC; short protein forms R763H.
Identifiers: ClinVar variation 128003 (VCV000128003.47), dbSNP rs141989813, ClinGen allele CA331867.

ClinVar aggregate classification (germline): Conflicting classifications of pathogenicity. Review status: criteria provided, conflicting classifications (1 of 4 stars). 10 submissions from 10 submitters: Uncertain significance (3); Likely benign (6). 1 of the submissions does not count toward it. Last evaluated 2026-01-05.

Conditions:
RAD50-related disorder. Also called: RAD50-related condition.
Hereditary cancer-predisposing syndrome. Also called: Tumor predisposition; Hereditary neoplastic syndrome; Neoplastic Syndromes, Hereditary; Hereditary Cancer Syndrome. Identifiers: Orphanet 140162, MedGen C0027672, MeSH D009386, MONDO:0015356.
Nijmegen breakage syndrome-like disorder (NBSLD). Also called: MICROCEPHALY AND SPONTANEOUS CHROMOSOME INSTABILITY WITHOUT IMMUNODEFICIENCY; NBS-LIKE DISORDER; RAD50 DEFICIENCY. Identifiers: Orphanet 240760, MedGen C2751318, MONDO:0013118, OMIM 613078.

Allele frequency attached by ClinVar (database versions not stated): ESP Exome Variant Server 0.00015; TOPMed 0.00022; gnomAD 0.00025 and 0.00026; ExAC 0.00032; gnomAD exomes 0.00033 and 0.00042; 1000 Genomes Project 0.00040; 1000 Genomes Project 30x 0.00062.
gnomAD v4.1: 640 of 1,613,634 alleles (0.04%); highest among the groups gnomAD compares: Middle Eastern, 0.15%; no homozygotes.

Submissions (10):

Labcorp Genetics (formerly Invitae), Labcorp
Classification: Likely benign for Hereditary cancer-predisposing syndrome. Last evaluated: 2026-01-05. Review status: criteria provided, single submitter. Criteria: Invitae Variant Classification Sherloc (09022015). Collection method: clinical testing. Allele origin: germline.

Women's Health and Genetics/Laboratory Corporation of America, LabCorp
Classification: Likely benign. Last evaluated: 2024-11-11. Review status: criteria provided, single submitter. Criteria: LabCorp Variant Classification Summary - May 2015. Collection method: clinical testing. Allele origin: germline.
Comment: Variant summary: RAD50 c.2288G>A (p.Arg763His) results in a non-conservative amino acid change in the encoded protein sequence. Three of five in-silico tools predict a benign effect of the variant on protein function. The variant allele was found at a frequency of 0.00033 in 250948 control chromosomes, predominantly at a frequency of 0.00058 within the Non-Finnish European subpopulation in the gnomAD database. The observed variant frequency within Non-Finnish European control individuals in the gnomAD database is approximately 9.28 fold of the estimated maximal expected allele frequency for a pathogenic variant in RAD50 causing Hereditary Breast And Ovarian Cancer Syndrome phenotype (6.3e-05), strongly suggesting that the variant is a benign polymorphism found primarily in populations of Non-Finnish European origin. c.2288G>A has been reported in the literature in individuals affected with Hereditary Breast And Ovarian Cancer Syndrome without strong evidence for causality (Bono_2021, Damiola_2014). These reports do not provide unequivocal conclusions about association of the variant with Hereditary Breast And Ovarian Cancer Syndrome. To our knowledge, no experimental evidence demonstrating an impact on protein function has been reported. ClinVar contains an entry for this variant (Variation ID: 128003). Based on the evidence outlined above, the variant was classified as likely benign.

Blueprint Genetics
Classification: Likely benign. Last evaluated: 2024-10-30. Review status: criteria provided, single submitter. Criteria: ACMG Guidelines, 2015. Collection method: clinical testing. Allele origin: germline.

CeGaT Center for Human Genetics Tuebingen
Classification: Likely benign. Last evaluated: 2022-11-01. Review status: criteria provided, single submitter. Criteria: CeGaT Center For Human Genetics Tuebingen Variant Classification Criteria Version 2. Collection method: clinical testing. Allele origin: germline. Affected: yes. Observed: 2 variant alleles.
Comment: RAD50: BP4

Institute for Clinical Genetics, University Hospital TU Dresden, University Hospital TU Dresden
Classification: Uncertain significance. Last evaluated: 2021-11-03. Review status: criteria provided, single submitter. Criteria: ACMG Guidelines, 2015. Collection method: clinical testing. Allele origin: germline.

Sema4
Classification: Likely benign for Nijmegen breakage syndrome-like disorder. Last evaluated: 2021-05-03. Review status: criteria provided, single submitter. Criteria: Sema4 Curation Guidelines. Collection method: curation. Allele origin: germline.

Ambry Genetics
Classification: Likely benign for Hereditary cancer-predisposing syndrome. Last evaluated: 2018-09-21. Review status: criteria provided, single submitter. Criteria: Ambry Variant Classification Scheme 2023. Collection method: clinical testing. Allele origin: germline.

GeneKor MSA
Classification: Uncertain significance for Hereditary cancer-predisposing syndrome. Last evaluated: 2018-08-01. Review status: criteria provided, single submitter. Criteria: ACMG Guidelines, 2015. Collection method: clinical testing. Allele origin: germline. Affected: yes.

GeneDx
Classification: Uncertain significance. Last evaluated: 2013-12-18. Review status: criteria provided, single submitter. Criteria: GeneDx Variant Classification (06012015). Collection method: clinical testing. Allele origin: germline. Affected: yes.
Comment: RAD50 has been only recently described in association with cancer predisposition and the risks are not well understood. This variant is denoted RAD50 c.2288G>A at the cDNA level, p.Arg763His (R763H) at the protein level, and results in the change of an Arginine to a Histidine (CGC>CAC). This variant has not, to our knowledge, been published in the literature as pathogenic or benign. RAD50 Arg763His was not observed at significant allele frequency in the NHLBI Exome Sequencing Project. This variant is a conservative substitution of one positive polar amino acid for another, altering a position that is well conserved throughout evolution and is not located in a known functional domain. In silico analyses predict this variant to have a benign effect on protein structure and function. On a molecular level, the impact of this missense variant on protein structure and function is not known and thus we consider this to be a variant of uncertain significance. Furthermore, based on the currently available information, cancer risks associated with this variant, and the RAD50 gene, remain unclear.

PreventionGenetics, part of Exact Sciences
Classification: Likely benign for RAD50-related condition. Last evaluated: 2024-07-26. Review status: no assertion criteria provided. Collection method: clinical testing. Allele origin: germline. Not counted in ClinVar's aggregate classification.
Comment: This variant is classified as likely benign based on ACMG/AMP sequence variant interpretation guidelines (Richards et al. 2015 PMID: 25741868, with internal and published modifications).

Literature cited by the submitters: PubMed 24894818 (cited by Women's Health and Genetics/Laboratory Corporation of America, LabCorp); PubMed 34371384 (cited by Women's Health and Genetics/Laboratory Corporation of America, LabCorp).